The following is an entry in ClinVar:

ClinVar aggregate classification (germline): Pathogenic. Review status: criteria provided, multiple submitters, no conflicts (2 of 4 stars). 5 submissions from 5 submitters: Pathogenic (4). 1 of the submissions does not count toward it. Last evaluated 2024-04-16.

Conditions:
Hereditary factor VIII deficiency disease (HEMA). Also called: AUTOSOMAL HEMOPHILIA A; HEMOPHILIA, CLASSIC; Hemophilia A; Hemophilia A, congenital; HEM A; Factor 8 deficiency, congenital. Identifiers: Orphanet 98878, MedGen C0019069, MONDO:0010602, OMIM 306700.

Submissions (5):

Mayo Clinic Laboratories, Mayo Clinic
Classification: Pathogenic. Last evaluated: 2024-04-16. Review status: criteria provided, single submitter. Criteria: ACMG Guidelines, 2015. Collection method: clinical testing. Allele origin: germline. Observed: 1 variant allele.
Comment: PM2_moderate, PM6, PS4_moderate, PVS1

Genetics and Molecular Pathology, SA Pathology
Classification: Pathogenic for Hereditary factor VIII deficiency disease. Last evaluated: 2021-05-05. Review status: criteria provided, single submitter. Criteria: ACMG Guidelines, 2015. Collection method: clinical testing. Allele origin: germline. Inheritance: X-linked recessive inheritance. Affected: yes.

ARUP Laboratories, Molecular Genetics and Genomics, ARUP Laboratories
Classification: Pathogenic for Hereditary factor VIII deficiency disease. Last evaluated: 2021-01-14. Review status: criteria provided, single submitter. Criteria: ARUP Molecular Germline Variant Investigation Process 2021. Collection method: clinical testing. Allele origin: germline.
Comment: The F8 c.209_212delTTGT; p.Phe70Ter variant (rs387906434), also known as c.208_211delTTTG, is published in the medical literature in numerous individuals with severe hemophilia A (Becker 1996, Habart 2003, Liu 1998, F8 database and references therein). Samples from affected individuals with this variant typically exhibit less than 1% of wildtype clotting activity (Habart 2003, Liu 1998, F8 database and references therein). This variant is absent from general population databases (Exome Variant Server, Genome Aggregation Database), indicating it is not a common polymorphism. This variant deletes 4 nucleotides, leads to an immediate stop codon and is predicted to result in a truncated protein or mRNA subject to non-sense mediated decay. Considering available information, this variant is considered to be pathogenic. References: Link to F8 database: Becker J et al. Characterization of the factor VIII defect in 147 patients with sporadic hemophilia A: family studies indicate a mutation type-dependent sex ratio of mutation frequencies. Am J Hum Genet. 1996 Apr;58(4):657-70.

Neuberg Centre For Genomic Medicine, NCGM
Classification: Pathogenic for Hereditary factor VIII deficiency disease. Review status: criteria provided, single submitter. Criteria: ACMG Guidelines, 2015. Collection method: clinical testing. Allele origin: germline. Inheritance: X-linked inheritance. Affected: yes.
Comment: The F8 c.209_212del (p.Phe70Ter) variant has been reported in hemizygous state in individuals affected with Hemophilia A (Habart 2003). This variant has been reported to the ClinVar database as Pathogenic. The p.Phe70Ter variant is novel (not in any individuals) in gnomAD Exomes and is novel (not in any individuals) in 1000 Genomes. This variant is predicted to cause loss of normal protein function through protein truncation. Loss of function variants have been previously reported to be disease causing. For these reasons, this variant has been classified as Pathogenic.

OMIM
Classification: Pathogenic for HEMOPHILIA A. Last evaluated: 1995-01-01. Review status: no assertion criteria provided. Collection method: literature only. Allele origin: germline. Not counted in ClinVar's aggregate classification.

Literature cited by the submitters: PubMed 12871415 (cited by Mayo Clinic Laboratories, Mayo Clinic); PubMed 17550859 (cited by Mayo Clinic Laboratories, Mayo Clinic); PubMed 29296726 (cited by Mayo Clinic Laboratories, Mayo Clinic); PubMed 32166871 (cited by Mayo Clinic Laboratories, Mayo Clinic); PubMed 32897612 (cited by Mayo Clinic Laboratories, Mayo Clinic); PubMed 33245802 (cited by Mayo Clinic Laboratories, Mayo Clinic); PubMed 33706050 (cited by Mayo Clinic Laboratories, Mayo Clinic); PubMed 8644728 (cited by Mayo Clinic Laboratories, Mayo Clinic); PubMed 7728145 (cited by OMIM).

NM_000132.4(F8):c.209_212del (p.Leu69_Phe70insTer)

Gene: F8 (coagulation factor VIII; minus strand). Cytogenetic location: Xq28.
Variant type: Deletion.
Coding change: c.209_212del on transcript NM_000132.4 (MANE Select); coding-DNA positions 209 to 212, 4 bases deleted (TTGT; older notation c.209_212delTTGT).
Protein change: p.Leu69_Phe70insTer.
Molecular consequence: nonsense.
Genome position (GRCh38, 1-based): chrX:154,999,532-154,999,535, ACAA deleted on the plus strand (TTGT on the coding strand, the reverse complement: F8 is on the minus strand); deleting any 4 consecutive bases within chrX:154,999,532-154,999,538 gives the same sequence; the c. name uses the placement nearest the transcript's 3' end. VCF-style (leftmost placement, unchanged base first): chrX-154999531-TACAA-T. GRCh37 (hg19) VCF-style: chrX-154227806-TACAA-T.
Other names: F8, 4-BP DEL, FS; p.Phe70*; c.209_212del (NM_000132.3).
Identifiers: ClinVar variation 10159 (VCV000010159.16), dbSNP rs387906434, ClinGen allele CA255050.